The following is an entry in ClinVar:

NM_003718.5(CDK13):c.2280C>T (p.Thr760=)

Gene: CDK13 (cyclin dependent kinase 13; plus strand). Cytogenetic location: 7p14.1.
Variant type: single nucleotide variant.
Coding change: c.2280C>T on transcript NM_003718.5 (MANE Select); coding-DNA position 2280, C replaced by T.
Protein change: p.Thr760=; no amino-acid change (threonine 760 retained).
Molecular consequence: synonymous variant.
Genome position (GRCh38, 1-based): chr7:40,001,958, C>T. VCF-style: chr7-40001958-C-T. GRCh37 (hg19) VCF-style: chr7-40041557-C-T.
Other names: c.2280C>T, p.Thr760= (NM_031267.4).
Identifiers: ClinVar variation 1987335 (VCV001987335.14), dbSNP rs55838651, ClinGen allele CA4228676.

ClinVar aggregate classification (germline): Likely benign. Review status: criteria provided, multiple submitters, no conflicts (2 of 4 stars). 2 submissions from 2 submitters: Likely benign (2). Last evaluated 2025-05-01.

Allele frequency attached by ClinVar (database versions not stated): ExAC 0.00002; 1000 Genomes Project 30x 0.00016; 1000 Genomes Project 0.00020.
gnomAD v4.1: 49 of 1,609,938 alleles (0.003%); highest among the groups gnomAD compares: Non-Finnish European, 0.0041%; no homozygotes.

Submissions (2):

CeGaT Center for Human Genetics Tuebingen
Classification: Likely benign. Last evaluated: 2025-05-01. Review status: criteria provided, single submitter. Criteria: CeGaT Center For Human Genetics Tuebingen Variant Classification Criteria Version 2. Collection method: clinical testing. Allele origin: germline. Affected: yes. Observed: 1 variant allele.
Comment: CDK13: BP4, BP7

Labcorp Genetics (formerly Invitae), Labcorp
Classification: Likely benign. Last evaluated: 2022-11-15. Review status: criteria provided, single submitter. Criteria: Invitae Variant Classification Sherloc (09022015). Collection method: clinical testing. Allele origin: germline.